The following is an entry in ClinVar:

ClinVar aggregate classification (germline): Uncertain significance. Review status: criteria provided, multiple submitters, no conflicts (2 of 4 stars). 2 submissions from 2 submitters: Uncertain significance (2). Last evaluated 2022-05-05.

Conditions:
Charcot-Marie-Tooth disease. Also called: Charcot-Marie-Tooth Hereditary Neuropathy; Charcot-Marie-Tooth Neuropathy. Identifiers: Orphanet 166, MedGen C0007959, MONDO:0015626.
Charcot-Marie-Tooth disease type 4. Also called: Charcot-Marie-Tooth, Type 4; Charcot-Marie-Tooth disease, type IV. Identifiers: Orphanet 64749, MedGen C4082197, MONDO:0018995.

Allele frequency attached by ClinVar (database versions not stated): gnomAD exomes below 0.00001.
gnomAD v4.1: 2 of 1,614,130 alleles (0.00012%); highest among the groups gnomAD compares: Non-Finnish European, 0.00017%; no homozygotes.

Submissions (2):

Labcorp Genetics (formerly Invitae), Labcorp
Classification: Uncertain significance for Charcot-Marie-Tooth disease type 4. Last evaluated: 2022-05-05. Review status: criteria provided, single submitter. Criteria: Invitae Variant Classification Sherloc (09022015). Collection method: clinical testing. Allele origin: germline.
Comment: This sequence change replaces serine, which is neutral and polar, with asparagine, which is neutral and polar, at codon 958 of the SH3TC2 protein (p.Ser958Asn). This variant is not present in population databases (gnomAD no frequency). In summary, the available evidence is currently insufficient to determine the role of this variant in disease. Therefore, it has been classified as a Variant of Uncertain Significance. Algorithms developed to predict the effect of missense changes on protein structure and function (SIFT, PolyPhen-2, Align-GVGD) all suggest that this variant is likely to be disruptive. ClinVar contains an entry for this variant (Variation ID: 917273). This missense change has been observed in individual(s) with SH3TC2-related conditions (PMID: 32376792).

Molecular Genetics Laboratory, London Health Sciences Centre
Classification: Uncertain significance for Charcot-Marie-Tooth disease. Review status: criteria provided, single submitter. Criteria: ACMG Guidelines, 2015. Collection method: clinical testing. Allele origin: germline. Affected: yes.

Literature cited by the submitters: PubMed 32376792 (cited by Labcorp Genetics (formerly Invitae), Labcorp).

NM_024577.4(SH3TC2):c.2873G>A (p.Ser958Asn)

Gene: SH3TC2 (SH3 domain and tetratricopeptide repeats 2; minus strand). Cytogenetic location: 5q32.
Variant type: single nucleotide variant.
Coding change: c.2873G>A on transcript NM_024577.4 (MANE Select); coding-DNA position 2873, G replaced by A.
Protein change: p.Ser958Asn; replaces serine 958 with asparagine.
Molecular consequence: missense variant.
Genome position (GRCh38, 1-based): chr5:149,026,752, C>T on the plus strand (G>A on the coding strand, the complement: SH3TC2 is on the minus strand). VCF-style: chr5-149026752-C-T. GRCh37 (hg19) VCF-style: chr5-148406315-C-T.
Other names: short protein forms S958N.
Identifiers: ClinVar variation 917273 (VCV000917273.5), dbSNP rs1205847384, ClinGen allele CA361665435.
Genomic context (GRCh38, chr5:149,026,752, plus strand): 5'-TCAGGGTTTGGGGACACAGAGCTGTAGAAATGGCAGAGGGATTTGGTGGCCTGAAGCTGA[C>T]CTGAACACAAAGCAGGGACATGAATGAGATGACTTGAGATAGGAAATGGATAAAACTTGA-3'
Protein context (NP_078853.2, residues 948-968): LFGLRHRHLK[Ser958Asn]QLQATKSLCH